The following is an entry in ClinVar:

ClinVar aggregate classification (germline): Uncertain significance (1 of 4 stars; one submission).

Allele frequency attached by ClinVar (database versions not stated): gnomAD exomes below 0.00001; TOPMed below 0.00001; gnomAD 0.00001.
gnomAD v4.1: 3 of 1,614,022 alleles (0.00019%); highest among the groups gnomAD compares: Non-Finnish European, 0.00025%; no homozygotes.

Submission:

Labcorp Genetics (formerly Invitae), Labcorp
Classification: Uncertain significance. Last evaluated: 2020-10-30. Review status: criteria provided, single submitter. Criteria: Invitae Variant Classification Sherloc (09022015). Collection method: clinical testing. Allele origin: germline.
Comment: This sequence change replaces valine with glycine at codon 48 of the LRRC10 protein (p.Val48Gly). The valine residue is moderately conserved and there is a moderate physicochemical difference between valine and glycine. This variant is not present in population databases (ExAC no frequency). This variant has not been reported in the literature in individuals with LRRC10-related conditions. Algorithms developed to predict the effect of missense changes on protein structure and function are either unavailable or do not agree on the potential impact of this missense change (SIFT: "Deleterious"; PolyPhen-2: "Benign"; Align-GVGD: "Class C0"). In summary, the available evidence is currently insufficient to determine the role of this variant in disease. Therefore, it has been classified as a Variant of Uncertain Significance.

NM_201550.4(LRRC10):c.143T>G (p.Val48Gly)

Gene: LRRC10 (leucine rich repeat containing 10; minus strand). Cytogenetic location: 12q15.
Variant type: single nucleotide variant.
Coding change: c.143T>G on transcript NM_201550.4 (MANE Select); coding-DNA position 143, T replaced by G.
Protein change: p.Val48Gly; replaces valine 48 with glycine.
Molecular consequence: missense variant.
Genome position (GRCh38, 1-based): chr12:69,610,696, A>C on the plus strand (T>G on the coding strand, the complement: LRRC10 is on the minus strand). VCF-style: chr12-69610696-A-C. GRCh37 (hg19) VCF-style: chr12-70004476-A-C.
Other names: short protein forms V48G.
Identifiers: ClinVar variation 1044404 (VCV001044404.8), dbSNP rs1267413776, ClinGen allele CA385737969.